The following is an entry in ClinVar:

NM_003072.5(SMARCA4):c.2618T>G (p.Ile873Ser)

Gene: SMARCA4 (SWI/SNF related BAF chromatin remodeling complex subunit ATPase 4; plus strand). Cytogenetic location: 19p13.2.
Variant type: single nucleotide variant.
Coding change: c.2618T>G on transcript NM_003072.5 (MANE Select); coding-DNA position 2618, T replaced by G.
Protein change: p.Ile873Ser; replaces isoleucine 873 with serine.
Molecular consequence: missense variant. On other transcripts: non-coding transcript variant (1).
Genome position (GRCh38, 1-based): chr19:11,021,726, T>G. VCF-style: chr19-11021726-T-G. GRCh37 (hg19) VCF-style: chr19-11132402-T-G.
Other names: c.2618T>G, p.Ile873Ser (NM_001128845.2, NM_001128846.2, NM_001128847.4 and 6 more transcripts); c.2618T>G (NM_001128849.1); short protein forms I873S.
Identifiers: ClinVar variation 3647947 (VCV003647947.3).

ClinVar aggregate classification (germline): Uncertain significance. Review status: criteria provided, multiple submitters, no conflicts (2 of 4 stars). 2 submissions from 2 submitters: Uncertain significance (2). Last evaluated 2026-08-23.

Conditions:
Hereditary cancer-predisposing syndrome. Also called: Tumor predisposition; Hereditary neoplastic syndrome; Hereditary Cancer Syndrome; Neoplastic Syndromes, Hereditary. Identifiers: Orphanet 140162, MedGen C0027672, MeSH D009386, MONDO:0015356.
Rhabdoid tumor predisposition syndrome 2 (RTPS2). Identifiers: Orphanet 231108, Orphanet 69077, MedGen C2750074, MONDO:0013224, OMIM 613325.

gnomAD v4.1: 1 of 1,609,834 alleles (0.000062%); no homozygotes.

Submissions (2):

Ambry Genetics
Classification: Uncertain significance for Hereditary cancer-predisposing syndrome. Last evaluated: 2026-08-23. Review status: criteria provided, single submitter. Criteria: Ambry Variant Classification Scheme 2023. Collection method: clinical testing. Allele origin: germline.
Comment: The p.I873S variant (also known as c.2618T>G), located in coding exon 18 of the SMARCA4 gene, results from a T to G substitution at nucleotide position 2618. The isoleucine at codon 873 is replaced by serine, an amino acid with dissimilar properties. This amino acid position is conserved. In addition, this alteration is predicted to be deleterious by in silico analysis. Based on the available evidence, the clinical significance of this variant remains unclear.

Labcorp Genetics (formerly Invitae), Labcorp
Classification: Uncertain significance for Rhabdoid tumor predisposition syndrome 2. Last evaluated: 2024-03-28. Review status: criteria provided, single submitter. Criteria: Invitae Variant Classification Sherloc (09022015). Collection method: clinical testing. Allele origin: germline.
Comment: This sequence change replaces isoleucine, which is neutral and non-polar, with serine, which is neutral and polar, at codon 873 of the SMARCA4 protein (p.Ile873Ser). This variant is not present in population databases (gnomAD no frequency). This variant has not been reported in the literature in individuals affected with SMARCA4-related conditions. An algorithm developed to predict the effect of missense changes on protein structure and function (PolyPhen-2) suggests that this variant is likely to be disruptive. In summary, the available evidence is currently insufficient to determine the role of this variant in disease. Therefore, it has been classified as a Variant of Uncertain Significance.